The following is an entry in ClinVar:

NM_006493.4(CLN5):c.702T>G (p.Phe234Leu)

Gene: CLN5 (CLN5 lysosomal BMP synthase; plus strand). Cytogenetic location: 13q22.3.
Variant type: single nucleotide variant.
Coding change: c.702T>G on transcript NM_006493.4 (MANE Select); coding-DNA position 702, T replaced by G.
Protein change: p.Phe234Leu; replaces phenylalanine 234 with leucine.
Molecular consequence: missense variant. On other transcripts: 3 prime UTR variant (1).
Genome position (GRCh38, 1-based): chr13:77,000,594, T>G. VCF-style: chr13-77000594-T-G. GRCh37 (hg19) VCF-style: chr13-77574729-T-G.
Other names: c.849T>G (LRG_692t1); c.*151T>G (NM_001366624.2); short protein forms F234L.
Identifiers: ClinVar variation 650446 (VCV000650446.6), dbSNP rs1593914834, ClinGen allele CA388312257.

ClinVar aggregate classification (germline): Uncertain significance (1 of 4 stars; one submission).

Conditions:
Neuronal ceroid lipofuscinosis. Also called: Neuronal Ceroid Lipofuscinoses. Identifiers: Orphanet 216, Orphanet 79263, MedGen C0027877, MONDO:0016295. Disease mechanism: loss of function.

Submission:

Labcorp Genetics (formerly Invitae), Labcorp
Classification: Uncertain significance for Neuronal ceroid lipofuscinosis. Last evaluated: 2022-02-04. Review status: criteria provided, single submitter. Criteria: Invitae Variant Classification Sherloc (09022015). Collection method: clinical testing. Allele origin: germline.
Comment: This sequence change replaces phenylalanine, which is neutral and non-polar, with leucine, which is neutral and non-polar, at codon 283 of the CLN5 protein (p.Phe283Leu). This variant is not present in population databases (gnomAD no frequency). This variant has not been reported in the literature in individuals affected with CLN5-related conditions. ClinVar contains an entry for this variant (Variation ID: 650446). Algorithms developed to predict the effect of missense changes on protein structure and function are either unavailable or do not agree on the potential impact of this missense change (SIFT: "Deleterious"; PolyPhen-2: "Probably Damaging"; Align-GVGD: "Class C15"). In summary, the available evidence is currently insufficient to determine the role of this variant in disease. Therefore, it has been classified as a Variant of Uncertain Significance.